The following is an entry in ClinVar:

NM_000143.4(FH):c.1052C>G (p.Ser351Ter)

Gene: FH (fumarate hydratase; minus strand). Cytogenetic location: 1q43.
Variant type: single nucleotide variant.
Coding change: c.1052C>G on transcript NM_000143.4 (MANE Select); coding-DNA position 1052, C replaced by G.
Protein change: p.Ser351Ter; replaces serine 351 with a stop codon.
Molecular consequence: nonsense.
Genome position (GRCh38, 1-based): chr1:241,504,098, G>C on the plus strand (C>G on the coding strand, the complement: FH is on the minus strand). VCF-style: chr1-241504098-G-C. GRCh37 (hg19) VCF-style: chr1-241667398-G-C.
Other names: short protein forms S351*.
Identifiers: ClinVar variation 429168 (VCV000429168.16), dbSNP rs1060500896, ClinGen allele CA345438126.

ClinVar aggregate classification (germline): Pathogenic. Review status: criteria provided, multiple submitters, no conflicts (2 of 4 stars). 2 submissions from 2 submitters: Pathogenic (2). Last evaluated 2025-08-01.

Conditions:
Hereditary cancer-predisposing syndrome. Also called: Hereditary Cancer Syndrome; Neoplastic Syndromes, Hereditary; Hereditary neoplastic syndrome; Tumor predisposition. Identifiers: Orphanet 140162, MedGen C0027672, MeSH D009386, MONDO:0015356.

Submissions (2):

Ambry Genetics
Classification: Pathogenic for Hereditary cancer-predisposing syndrome. Last evaluated: 2025-08-01. Review status: criteria provided, single submitter. Criteria: Ambry Variant Classification Scheme 2023. Collection method: clinical testing. Allele origin: germline.
Comment: The p.S351* pathogenic mutation (also known as c.1052C>G), located in coding exon 7 of the FH gene, results from a C to G substitution at nucleotide position 1052. This changes the amino acid from a serine to a stop codon within coding exon 7. This variant is considered to be rare based on population cohorts in the Genome Aggregation Database (gnomAD). This alteration is expected to result in loss of function by premature protein truncation or nonsense-mediated mRNA decay. As such, this alteration is interpreted as a disease-causing mutation.

Labcorp Genetics (formerly Invitae), Labcorp
Classification: Pathogenic. Last evaluated: 2025-04-13. Review status: criteria provided, single submitter. Criteria: Invitae Variant Classification Sherloc (09022015). Collection method: clinical testing. Allele origin: germline.
Comment: This sequence change creates a premature translational stop signal (p.Ser351*) in the FH gene. It is expected to result in an absent or disrupted protein product. Loss-of-function variants in FH are known to be pathogenic (PMID: 11865300, 21398687). This variant is not present in population databases (gnomAD no frequency). This variant has not been reported in the literature in individuals affected with FH-related conditions. ClinVar contains an entry for this variant (Variation ID: 429168). For these reasons, this variant has been classified as Pathogenic.

Literature cited by the submitters: PubMed 11865300 (cited by Labcorp Genetics (formerly Invitae), Labcorp); PubMed 21398687 (cited by Labcorp Genetics (formerly Invitae), Labcorp).